The following is an entry in ClinVar:

ClinVar aggregate classification (germline): Uncertain significance (1 of 4 stars; one submission).

Conditions:
PCNT-related disorder. Also called: PCNT-related condition.

Submission:

PreventionGenetics, part of Exact Sciences
Classification: Uncertain significance for PCNT-related condition. Last evaluated: 2025-08-13. Review status: criteria provided, single submitter. Criteria: ACMG Guidelines, 2015. Collection method: clinical testing. Allele origin: germline.
Comment: The PCNT c.8026C>T variant is predicted to result in the amino acid substitution p.His2676Tyr. To our knowledge, this variant has not been reported in the literature or in a large population database (gnomAD), indicating this variant is rare. At this time, the clinical significance of this variant is uncertain due to the absence of conclusive functional and genetic evidence.

NM_006031.6(PCNT):c.8026C>T (p.His2676Tyr)

Gene: PCNT (pericentrin; plus strand). Cytogenetic location: 21q22.3.
Variant type: single nucleotide variant.
Coding change: c.8026C>T on transcript NM_006031.6 (MANE Select); coding-DNA position 8026, C replaced by T.
Protein change: p.His2676Tyr; replaces histidine 2676 with tyrosine.
Molecular consequence: missense variant.
Genome position (GRCh38, 1-based): chr21:46,430,619, C>T. VCF-style: chr21-46430619-C-T. GRCh37 (hg19) VCF-style: chr21-47850533-C-T.
Other names: c.7672C>T, p.His2558Tyr (NM_001315529.2); short protein forms H2676Y, H2558Y.
Identifiers: ClinVar variation 4992343 (VCV004992343.1).